The following is an entry in ClinVar:

NM_002528.7(NTHL1):c.155A>C (p.Lys52Thr)

Gene: NTHL1 (nth like DNA glycosylase 1; minus strand). Cytogenetic location: 16p13.3.
Variant type: single nucleotide variant.
Coding change: c.155A>C on transcript NM_002528.7 (MANE Select); coding-DNA position 155, A replaced by C.
Protein change: p.Lys52Thr; replaces lysine 52 with threonine.
Molecular consequence: missense variant. On other transcripts: 5 prime UTR variant (1).
Genome position (GRCh38, 1-based): chr16:2,046,327, T>G on the plus strand (A>C on the coding strand, the complement: NTHL1 is on the minus strand). VCF-style: chr16-2046327-T-G. GRCh37 (hg19) VCF-style: chr16-2096328-T-G.
Other names: c.155A>C, p.Lys52Thr (NM_001318193.2); c.-24A>C (NM_001318194.2); short protein forms K52T.
Identifiers: ClinVar variation 1780318 (VCV001780318.10), dbSNP rs2084384334, ClinGen allele CA394297952.

ClinVar aggregate classification (germline): Uncertain significance. Review status: criteria provided, multiple submitters, no conflicts (2 of 4 stars). 3 submissions from 3 submitters: Uncertain significance (3). Last evaluated 2025-10-26.

Conditions:
Familial adenomatous polyposis 3. Also called: NTHL1-Related Adenomatous Polyposis and Colorectal Cancer; NTHL1 Tumor Syndrome; NTHL1-related attenuated familial adenomatous polyposis; NTHL1-associated polyposis. Identifiers: Orphanet 220460, Orphanet 454840, MedGen C4225157, MONDO:0014630, OMIM 616415.
Hereditary cancer-predisposing syndrome. Also called: Tumor predisposition; Neoplastic Syndromes, Hereditary; Hereditary Cancer Syndrome; Hereditary neoplastic syndrome. Identifiers: Orphanet 140162, MedGen C0027672, MeSH D009386, MONDO:0015356.

Allele frequency attached by ClinVar (database versions not stated): TOPMed 0.00001; gnomAD exomes below 0.00001; gnomAD 0.00001.
gnomAD v4.1: 2 of 1,610,850 alleles (0.00012%); highest among the groups gnomAD compares: African/African-American, 0.0027%; no homozygotes.

Submissions (3):

Labcorp Genetics (formerly Invitae), Labcorp
Classification: Uncertain significance. Last evaluated: 2025-10-26. Review status: criteria provided, single submitter. Criteria: Invitae Variant Classification Sherloc (09022015). Collection method: clinical testing. Allele origin: germline.
Comment: This sequence change replaces lysine, which is basic and polar, with threonine, which is neutral and polar, at codon 60 of the NTHL1 protein (p.Lys60Thr). This variant is not present in population databases (gnomAD no frequency). This variant has not been reported in the literature in individuals affected with NTHL1-related conditions. ClinVar contains an entry for this variant (Variation ID: 1780318). An algorithm developed to predict the effect of missense changes on protein structure and function (PolyPhen-2) suggests that this variant is likely to be tolerated. In summary, the available evidence is currently insufficient to determine the role of this variant in disease. Therefore, it has been classified as a Variant of Uncertain Significance.

Ambry Genetics
Classification: Uncertain significance for Hereditary cancer-predisposing syndrome. Last evaluated: 2025-06-01. Review status: criteria provided, single submitter. Criteria: Ambry Variant Classification Scheme 2023. Collection method: clinical testing. Allele origin: germline.
Comment: The p.K60T variant (also known as c.179A>C), located in coding exon 2 of the NTHL1 gene, results from an A to C substitution at nucleotide position 179. The lysine at codon 60 is replaced by threonine, an amino acid with similar properties. This amino acid position is well conserved in available vertebrate species. In addition, this alteration is predicted to be tolerated by in silico analysis. Since supporting evidence is limited at this time, the clinical significance of this alteration remains unclear.

Baylor Genetics
Classification: Uncertain significance for Familial adenomatous polyposis 3. Last evaluated: 2023-08-20. Review status: criteria provided, single submitter. Criteria: ACMG Guidelines, 2015. Collection method: clinical testing. Allele origin: unknown.